The following is an entry in ClinVar:

NM_003105.6(SORL1):c.4641G>C (p.Lys1547Asn)

Gene: SORL1 (sortilin related receptor 1; plus strand). Cytogenetic location: 11q24.1.
Variant type: single nucleotide variant.
Coding change: c.4641G>C on transcript NM_003105.6 (MANE Select); coding-DNA position 4641, G replaced by C.
Protein change: p.Lys1547Asn; replaces lysine 1547 with asparagine.
Molecular consequence: missense variant.
Genome position (GRCh38, 1-based): chr11:121,604,314, G>C. VCF-style: chr11-121604314-G-C. GRCh37 (hg19) VCF-style: chr11-121475023-G-C.
Other names: short protein forms K1547N.
Identifiers: ClinVar variation 2769684 (VCV002769684.3), dbSNP rs2496978029, ClinGen allele CA383037528.

ClinVar aggregate classification (germline): Uncertain significance (1 of 4 stars; one submission).

Submission:

Labcorp Genetics (formerly Invitae), Labcorp
Classification: Uncertain significance. Last evaluated: 2023-10-17. Review status: criteria provided, single submitter. Criteria: Invitae Variant Classification Sherloc (09022015). Collection method: clinical testing. Allele origin: germline.
Comment: This sequence change replaces lysine, which is basic and polar, with asparagine, which is neutral and polar, at codon 1547 of the SORL1 protein (p.Lys1547Asn). This variant is not present in population databases (gnomAD no frequency). This variant has not been reported in the literature in individuals affected with SORL1-related conditions. An algorithm developed to predict the effect of missense changes on protein structure and function (PolyPhen-2) suggests that this variant is likely to be tolerated. In summary, the available evidence is currently insufficient to determine the role of this variant in disease. Therefore, it has been classified as a Variant of Uncertain Significance.